The following is an entry in ClinVar:

NM_153252.5(BRWD3):c.4732G>A (p.Ala1578Thr)

Gene: BRWD3 (bromodomain and WD repeat domain containing 3; minus strand). Cytogenetic location: Xq21.1.
Variant type: single nucleotide variant.
Coding change: c.4732G>A on transcript NM_153252.5 (MANE Select); coding-DNA position 4732, G replaced by A.
Protein change: p.Ala1578Thr; replaces alanine 1578 with threonine.
Molecular consequence: missense variant.
Genome position (GRCh38, 1-based): chrX:80,677,286, C>T on the plus strand (G>A on the coding strand, the complement: BRWD3 is on the minus strand). VCF-style: chrX-80677286-C-T. GRCh37 (hg19) VCF-style: chrX-79932785-C-T.
Other names: short protein forms A1578T.
Identifiers: ClinVar variation 384338 (VCV000384338.2), dbSNP rs1057521928, ClinGen allele CA16608961.
Genomic context (GRCh38, chrX:80,677,286, plus strand): 5'-TCTCTTTTGTTTCTTTTTTCTCTTTATCTTCTCCTCCCATGTTTTCATCTTCTTCTGATG[C>T]ACTAAGTAGTTTTCTCTTGATTCCTGTCCGGGGCTCTCTGCCATCACCATTTGTAAGGGG-3'
Protein context (NP_694984.5, residues 1568-1588): RTGIKRKLLS[Ala1578Thr]SEEDENMGGE

ClinVar aggregate classification (germline): Uncertain significance (1 of 4 stars; one submission).

Submission:

GeneDx
Classification: Uncertain significance. Last evaluated: 2016-03-08. Review status: criteria provided, single submitter. Criteria: GeneDx Variant Classification (06012015). Collection method: clinical testing. Allele origin: germline. Affected: yes.
Comment: The A1578T variant in the BRWD3 gene has not been reported previously as a pathogenic variant,nor as a benign variant, to our knowledge. The A1578T variant was not observed in approximately6500 individuals of European and African American ancestry in the NHLBI Exome SequencingProject, indicating it is not a common benign variant in these populations. The A1578T variant is anon-conservative amino acid substitution, which is likely to impact secondary protein structure asthese residues differ in polarity, charge, size and/or other properties. This substitution occurs at aposition that is not conserved. In silico analysis is inconsistent in its predictions as to whether or notthe variant is damaging to the protein structure/function. We interpret A1578T as a variant ofuncertain significance